The following is an entry in ClinVar:

ClinVar aggregate classification (germline): Uncertain significance. Review status: criteria provided, multiple submitters, no conflicts (2 of 4 stars). 2 submissions from 2 submitters: Uncertain significance (2). Last evaluated 2024-03-07.

Conditions:
Hereditary cancer-predisposing syndrome. Also called: Tumor predisposition; Hereditary neoplastic syndrome; Hereditary Cancer Syndrome; Neoplastic Syndromes, Hereditary. Identifiers: Orphanet 140162, MedGen C0027672, MeSH D009386, MONDO:0015356.

Submissions (2):

Color Diagnostics, LLC DBA Color Health
Classification: Uncertain significance for Hereditary cancer-predisposing syndrome. Last evaluated: 2024-03-07. Review status: criteria provided, single submitter. Criteria: ACMG Guidelines, 2015. Collection method: clinical testing. Allele origin: germline.
Comment: This missense variant replaces threonine with alanine at codon 310 of the RAD51C protein. Computational prediction suggests that this variant may not impact protein structure and function (internally defined REVEL score threshold <= 0.5, PMID: 27666373). To our knowledge, functional studies have not been reported for this variant. This variant has not been reported in individuals affected with hereditary cancer in the literature. This variant has not been identified in the general population by the Genome Aggregation Database (gnomAD). The available evidence is insufficient to determine the role of this variant in disease conclusively. Therefore, this variant is classified as a Variant of Uncertain Significance.

Ambry Genetics
Classification: Uncertain significance for Hereditary cancer-predisposing syndrome. Last evaluated: 2022-11-24. Review status: criteria provided, single submitter. Criteria: Ambry Variant Classification Scheme 2023. Collection method: clinical testing. Allele origin: germline.
Comment: The p.T310A variant (also known as c.928A>G), located in coding exon 7 of the RAD51C gene, results from an A to G substitution at nucleotide position 928. The threonine at codon 310 is replaced by alanine, an amino acid with similar properties. This amino acid position is conserved. In addition, the in silico prediction for this alteration is inconclusive. Since supporting evidence is limited at this time, the clinical significance of this alteration remains unclear.

NM_058216.3(RAD51C):c.928A>G (p.Thr310Ala)

Gene: RAD51C (RAD51 paralog C; plus strand). Cytogenetic location: 17q22.
Variant type: single nucleotide variant.
Coding change: c.928A>G on transcript NM_058216.3 (MANE Select); coding-DNA position 928, A replaced by G.
Protein change: p.Thr310Ala; replaces threonine 310 with alanine.
Molecular consequence: missense variant. On other transcripts: non-coding transcript variant (1).
Genome position (GRCh38, 1-based): chr17:58,724,063, A>G. VCF-style: chr17-58724063-A-G. GRCh37 (hg19) VCF-style: chr17-56801424-A-G.
Other names: c.928A>G (NM_058216.1); short protein forms T310A.
Identifiers: ClinVar variation 1172433 (VCV001172433.5), dbSNP rs2143961974, ClinGen allele CA400361382.
Genomic context (GRCh38, chr17:58,724,063, plus strand): 5'-TAAGGCCATATACAGTTATTATGTTTTTTACTCTCAGGGGAAAGTTGGGGACATGCTGCT[A>G]CAATACGGCTAATCTTTCATTGGGACCGAAAGCAAAGGTCAGTACAGAAACAAGTTAATA-3'
Protein context (NP_478123.1, residues 300-320): ALGESWGHAA[Thr310Ala]IRLIFHWDRK